The following is an entry in ClinVar:

NM_001322934.2(NFKB2):c.1269A>G (p.Pro423=)

Genes: NFKB2 (nuclear factor kappa B subunit 2; plus strand), LOC130004599 (ATAC-STARR-seq lymphoblastoid silent region 2756; plus strand). Cytogenetic location: 10q24.32.
Variant type: single nucleotide variant.
Coding change: c.1269A>G on transcript NM_001322934.2 (MANE Select); coding-DNA position 1269, A replaced by G.
Protein change: p.Pro423=; no amino-acid change (proline 423 retained).
Molecular consequence: synonymous variant. On other transcripts: no sequence alteration (3).
Genome position (GRCh38, 1-based): chr10:102,399,439, A>G. VCF-style: chr10-102399439-A-G. GRCh37 (hg19) VCF-style: chr10-104159196-A-G.
Other names: c.1269=, p.Pro423= (NM_001077494.3, NM_001288724.1); c.1269A>G, p.Pro423= (NM_001261403.3, NM_002502.6); c.1143=, p.Pro381= (NM_001322935.1); c.1269G>G (NM_001077494.3).
Identifiers: ClinVar variation 403233 (VCV000403233.22), dbSNP rs4919633, ClinGen allele CA5664788.

ClinVar aggregate classification (germline): Benign/Likely benign. Review status: criteria provided, multiple submitters, no conflicts (2 of 4 stars). 9 submissions from 9 submitters: Benign (6); Likely benign (1). 2 of the submissions do not count toward it. Last evaluated 2026-02-04.

Conditions:
Immunodeficiency, common variable, 10. Also called: IMMUNODEFICIENCY, COMMON VARIABLE, WITH CENTRAL ADRENAL INSUFFICIENCY; DEFICIT IN ANTERIOR PITUITARY FUNCTION AND VARIABLE IMMUNODEFICIENCY. Identifiers: MedGen C3809991, MONDO:0014260, OMIM 615577.

Allele frequency attached by ClinVar (database versions not stated): 1000 Genomes Project 30x 0.98579; 1000 Genomes Project 0.98682; TOPMed 0.98842; gnomAD 0.98899 and 0.98966; ESP Exome Variant Server 0.99185; ExAC 0.99710; gnomAD exomes 0.99762.
gnomAD v4.1: 1,511,918 of 1,515,066 alleles (100%); highest among the groups gnomAD compares: East Asian, 100%; 754,444 homozygotes.

Submissions (9):

Labcorp Genetics (formerly Invitae), Labcorp
Classification: Benign for Immunodeficiency, common variable, 10. Last evaluated: 2026-02-04. Review status: criteria provided, single submitter. Criteria: Invitae Variant Classification Sherloc (09022015). Collection method: clinical testing. Allele origin: germline.

Women's Health and Genetics/Laboratory Corporation of America, LabCorp
Classification: Benign. Last evaluated: 2026-01-21. Review status: criteria provided, single submitter. Criteria: LabCorp Variant Classification Summary - May 2015. Collection method: clinical testing. Allele origin: germline.

Blueprint Genetics
Classification: Likely benign. Last evaluated: 2024-11-27. Review status: criteria provided, single submitter. Criteria: ACMG Guidelines, 2015. Collection method: clinical testing. Allele origin: germline.

Unidad de Genómica Garrahan, Hospital de Pediatría Garrahan
Classification: Benign. Last evaluated: 2023-11-12. Review status: criteria provided, single submitter. Criteria: ACMG Guidelines, 2015. Collection method: clinical testing. Allele origin: germline. Affected: no. Observed: 82 variant alleles.
Comment: This variant is classified as Benign based on local population frequency. This variant was detected in 85% of patients studied by a panel of primary immunodeficiencies. Number of patients: 82. Only high quality variants are reported.

Genome-Nilou Lab
Classification: Benign for Immunodeficiency, common variable, 10. Last evaluated: 2021-09-05. Review status: criteria provided, single submitter. Criteria: ACMG Guidelines, 2015. Collection method: clinical testing. Allele origin: germline. Affected: no.

Laboratory for Molecular Medicine, Mass General Brigham Personalized Medicine
Classification: Benign. Last evaluated: 2016-03-28. Review status: criteria provided, single submitter. Criteria: LMM Criteria. Collection method: clinical testing. Allele origin: germline.
Comment: Variant identified in a genome or exome case(s) and assessed due to predicted null impact of the variant or pathogenic assertions in the literature or databases. Disclaimer: This variant has not undergone full assessment. The following are preliminary notes: MAF

Breakthrough Genomics
Classification: Benign. Review status: criteria provided, single submitter. Criteria: ACMG Guidelines, 2015. Collection method: not provided. Allele origin: germline. Inheritance: Autosomal dominant inheritance. Affected: yes.

Clinical Genetics, Academic Medical Center
Classification: Benign. Review status: no assertion criteria provided. Collection method: clinical testing. Allele origin: germline. Affected: yes. Study: VKGL Data-share Consensus. Not counted in ClinVar's aggregate classification.

Diagnostic Laboratory, Department of Genetics, University Medical Center Groningen
Classification: Benign. Review status: no assertion criteria provided. Collection method: clinical testing. Allele origin: germline. Affected: yes. Study: VKGL Data-share Consensus. Not counted in ClinVar's aggregate classification.